The following is an entry in ClinVar:

NM_018109.4(MTPAP):c.255A>T (p.Lys85Asn)

Gene: MTPAP (mitochondrial poly(A) polymerase; minus strand). Cytogenetic location: 10p11.23.
Variant type: single nucleotide variant.
Coding change: c.255A>T on transcript NM_018109.4 (MANE Select); coding-DNA position 255, A replaced by T.
Protein change: p.Lys85Asn; replaces lysine 85 with asparagine.
Molecular consequence: missense variant.
Genome position (GRCh38, 1-based): chr10:30,341,543, T>A on the plus strand (A>T on the coding strand, the complement: MTPAP is on the minus strand). VCF-style: chr10-30341543-T-A. GRCh37 (hg19) VCF-style: chr10-30630472-T-A.
Other names: short protein forms K85N.
Identifiers: ClinVar variation 3393538 (VCV003393538.1).

ClinVar aggregate classification (germline): Uncertain significance (1 of 4 stars; one submission).

gnomAD v4.1: 57 of 1,614,136 alleles (0.0035%); highest among the groups gnomAD compares: Non-Finnish European, 0.0046%; no homozygotes.

Submission:

GeneDx
Classification: Uncertain significance. Last evaluated: 2024-07-03. Review status: criteria provided, single submitter. Criteria: GeneDx Variant Classification Process June 2021. Collection method: clinical testing. Allele origin: germline. Affected: yes.
Comment: Not observed at significant frequency in large population cohorts (gnomAD); In silico analysis supports that this missense variant has a deleterious effect on protein structure/function; Has not been previously published as pathogenic or benign to our knowledge